The following is an entry in ClinVar:

ClinVar aggregate classification (germline): Likely benign. Review status: criteria provided, multiple submitters, no conflicts (2 of 4 stars). 2 submissions from 2 submitters: Likely benign (2). Last evaluated 2026-03-01.

Allele frequency attached by ClinVar (database versions not stated): gnomAD exomes 0.00002; ExAC 0.00006; TOPMed 0.00008; gnomAD 0.00013; 1000 Genomes Project 30x 0.00016; 1000 Genomes Project 0.00020.
gnomAD v4.1: 51 of 1,613,652 alleles (0.0032%); highest among the groups gnomAD compares: Admixed American, 0.082%; no homozygotes.

Submissions (2):

CeGaT Center for Human Genetics Tuebingen
Classification: Likely benign. Last evaluated: 2026-03-01. Review status: criteria provided, single submitter. Criteria: CeGaT Center For Human Genetics Tuebingen Variant Classification Criteria Version 2. Collection method: clinical testing. Allele origin: germline. Affected: yes. Observed: 1 variant allele.
Comment: STAG1: BP4, BP7

Labcorp Genetics (formerly Invitae), Labcorp
Classification: Likely benign. Last evaluated: 2025-06-08. Review status: criteria provided, single submitter. Criteria: Invitae Variant Classification Sherloc (09022015). Collection method: clinical testing. Allele origin: germline.

NM_005862.3(STAG1):c.3726C>T (p.Asp1242=)

Gene: STAG1 (STAG1 cohesin complex component; minus strand). Cytogenetic location: 3q22.3.
Variant type: single nucleotide variant.
Coding change: c.3726C>T on transcript NM_005862.3 (MANE Select); coding-DNA position 3726, C replaced by T.
Protein change: p.Asp1242=; no amino-acid change (aspartic acid 1242 retained).
Molecular consequence: synonymous variant.
Genome position (GRCh38, 1-based): chr3:136,338,397, G>A on the plus strand (C>T on the coding strand, the complement: STAG1 is on the minus strand). VCF-style: chr3-136338397-G-A. GRCh37 (hg19) VCF-style: chr3-136057239-G-A.
Identifiers: ClinVar variation 2195536 (VCV002195536.8), dbSNP rs192497288, ClinGen allele CA2632314.
Genomic context (GRCh38, chr3:136,338,397, plus strand): 5'-ATAAATAAAAAGCAGTAATAATTTGACATTTACTGAATCATCTTCTATGATAGCTGCAGA[G>A]TCAAAGAAGTCTGGCCTTAGCTCAGCTCTCTCTCGCCGATTTCTTGATGGAGGCTGGAAA-3'
Protein context (NP_005853.2, residues 1232-1252): ERAELRPDFF[Asp1242=]SAAIIEDDSG